The following is an entry in ClinVar:

NM_003628.6(PKP4):c.2370G>T (p.Lys790Asn)

Genes: PKP4 (plakophilin 4; plus strand), PKP4-AS1 (PKP4 antisense RNA 1; minus strand). Cytogenetic location: 2q24.1.
Variant type: single nucleotide variant.
Coding change: c.2370G>T on transcript NM_003628.6 (MANE Select); coding-DNA position 2370, G replaced by T.
Protein change: p.Lys790Asn; replaces lysine 790 with asparagine.
Molecular consequence: missense variant.
Genome position (GRCh38, 1-based): chr2:158,663,055, G>T. VCF-style: chr2-158663055-G-T. GRCh37 (hg19) VCF-style: chr2-159519567-G-T.
Other names: c.2370G>T, p.Lys790Asn (NM_001005476.4, NM_001304971.2, NM_001377218.1 and 1 more transcripts); c.2367G>T, p.Lys789Asn (NM_001304969.3, NM_001377219.1, NM_001377220.1 and 2 more transcripts); c.1341G>T, p.Lys447Asn (NM_001304970.3); c.2364G>T, p.Lys788Asn (NM_001377222.1, NM_001377223.1); c.2361G>T, p.Lys787Asn (NM_001377224.1); short protein forms K790N, K788N, K447N, K787N, K789N.
Identifiers: ClinVar variation 4568599 (VCV004568599.1).

ClinVar aggregate classification (germline): Uncertain significance (1 of 4 stars; one submission).

gnomAD v4.1: 4 of 1,608,574 alleles (0.00025%); highest among the groups gnomAD compares: Non-Finnish European, 0.00034%; no homozygotes.

Submission:

Ambry Genetics
Classification: Uncertain significance. Last evaluated: 2025-11-02. Review status: criteria provided, single submitter. Criteria: Ambry Variant Classification Scheme 2023. Collection method: clinical testing. Allele origin: germline.
Comment: The p.K790N variant (also known as c.2370G>T), located in coding exon 13 of the PKP4 gene, results from a G to T substitution at nucleotide position 2370. The lysine at codon 790 is replaced by asparagine, an amino acid with similar properties. This amino acid position is conserved. In addition, the in silico prediction for this alteration is inconclusive. Based on the available evidence, the clinical significance of this variant remains unclear.